The following is an entry in ClinVar:

ClinVar aggregate classification (germline): Uncertain significance (1 of 4 stars; one submission).

Conditions:
Peroxisome biogenesis disorder 2B (PBD2B). Identifiers: Orphanet 44, MedGen C3550234, MONDO:0008736, OMIM 202370.

Allele frequency attached by ClinVar (database versions not stated): gnomAD 0.00001.
gnomAD v4.1: 3 of 1,613,990 alleles (0.00019%); highest among the groups gnomAD compares: Admixed American, 0.0017%; no homozygotes.

Submission:

Labcorp Genetics (formerly Invitae), Labcorp
Classification: Uncertain significance for Peroxisome biogenesis disorder 2B. Last evaluated: 2024-05-29. Review status: criteria provided, single submitter. Criteria: Invitae Variant Classification Sherloc (09022015). Collection method: clinical testing. Allele origin: germline.
Comment: This sequence change replaces aspartic acid, which is acidic and polar, with asparagine, which is neutral and polar, at codon 350 of the PEX5 protein (p.Asp350Asn). This variant is not present in population databases (gnomAD no frequency). This variant has not been reported in the literature in individuals affected with PEX5-related conditions. ClinVar contains an entry for this variant (Variation ID: 1716592). Advanced modeling of protein sequence and biophysical properties (such as structural, functional, and spatial information, amino acid conservation, physicochemical variation, residue mobility, and thermodynamic stability) performed at Invitae indicates that this missense variant is not expected to disrupt PEX5 protein function with a negative predictive value of 80%. In summary, the available evidence is currently insufficient to determine the role of this variant in disease. Therefore, it has been classified as a Variant of Uncertain Significance.

NM_001351132.2(PEX5):c.1048G>A (p.Asp350Asn)

Gene: PEX5 (peroxisomal biogenesis factor 5; plus strand). Cytogenetic location: 12p13.31.
Variant type: single nucleotide variant.
Coding change: c.1048G>A on transcript NM_001351132.2 (MANE Select); coding-DNA position 1048, G replaced by A.
Protein change: p.Asp350Asn; replaces aspartic acid 350 with asparagine.
Molecular consequence: missense variant.
Genome position (GRCh38, 1-based): chr12:7,207,740, G>A. VCF-style: chr12-7207740-G-A. GRCh37 (hg19) VCF-style: chr12-7360336-G-A.
Other names: c.1024G>A, p.Asp342Asn (NM_000319.5); c.1093G>A, p.Asp365Asn (NM_001131023.2); c.937G>A, p.Asp313Asn (NM_001131024.2, NM_001351137.3, NM_001374645.1 and 7 more transcripts); c.1048G>A, p.Asp350Asn (NM_001131025.2, NM_001131026.2, NM_001300789.3 and 4 more transcripts); c.982G>A, p.Asp328Asn (NM_001351135.3, NM_001351138.2); c.1039G>A, p.Asp347Asn (NM_001351136.2); c.913G>A, p.Asp305Asn (NM_001351139.2, NM_001351140.2, NM_001374649.2); short protein forms D305N, D313N, D328N, D342N, D347N, D350N, D365N.
Identifiers: ClinVar variation 1716592 (VCV001716592.5), dbSNP rs1944992292, ClinGen allele CA383730575.